The following is an entry in ClinVar:

ClinVar aggregate classification (germline): Pathogenic. Review status: criteria provided, multiple submitters, no conflicts (2 of 4 stars). 30 submissions from 28 submitters: Pathogenic (28). 2 of the submissions do not count toward it. Last evaluated 2026-04-17.

Conditions:
Breast-ovarian cancer, familial, susceptibility to, 5 (BROVCA5). Identifiers: MedGen C5830615, MONDO:0957530, OMIM 620442.
Fanconi anemia complementation group N. Also called: PALB2-Related Fanconi Anemia. Identifiers: Orphanet 84, MedGen C1835817, MONDO:0012565, OMIM 610832. Disease mechanism: loss of function.
Pancreatic cancer, susceptibility to, 3. Identifiers: Orphanet 1333, MedGen C3150547, MONDO:0013236, OMIM 613348.
Malignant tumor of breast. Also called: Malignant breast neoplasm; Cancer breast. Identifiers: MedGen C0006142, MONDO:0007254. Disease mechanism: loss of function.
PALB2-related disorder. Also called: PALB2-related disorders; PALB2-related condition.
Familial cancer of breast. Also called: hereditary breast carcinoma; BREAST CANCER, FAMILIAL; Hereditary breast cancer. Identifiers: Orphanet 227535, MedGen C0346153, MONDO:0016419, OMIM 114480. Disease mechanism: loss of function.
Breast and/or ovarian cancer. Identifiers: MedGen CN221562.
Hereditary cancer-predisposing syndrome. Also called: Neoplastic Syndromes, Hereditary; Hereditary Cancer Syndrome; Tumor predisposition; Hereditary neoplastic syndrome. Identifiers: Orphanet 140162, MedGen C0027672, MeSH D009386, MONDO:0015356.
Hereditary breast ovarian cancer syndrome. Also called: Hereditary breast and ovarian cancer syndrome; Breast and ovarian cancer; BRCA1- and BRCA2-Associated Hereditary Breast and Ovarian Cancer; Hereditary breast and ovarian cancer; Hereditary breast and ovarian cancer syndrome (HBOC); Hereditary breast and/or ovarian cancer syndrome. Identifiers: Orphanet 145, MedGen C0677776, MeSH D061325, MONDO:0003582. Disease mechanism: loss of function.
Breast-ovarian cancer, familial, susceptibility to, 1 (BROVCA1). Also called: OVARIAN CANCER, SUSCEPTIBILITY TO; BRCA1 Hereditary Breast and Ovarian Cancer. Identifiers: Orphanet 145, MedGen C2676676, MONDO:0011450, OMIM 604370. Disease mechanism: loss of function.

Submissions 1 to 11 of 30:

PreventionGenetics, part of Exact Sciences
Classification: Pathogenic for PALB2-related condition. Last evaluated: 2026-04-17. Review status: criteria provided, single submitter. Criteria: ACMG Guidelines, 2015. Collection method: clinical testing. Allele origin: germline.
Comment: The PALB2 c.757_758delCT variant is predicted to result in a frameshift and premature protein termination (p.Leu253Ilefs*3). This variant has been reported in the compound heterozygous state in a patient with Fanconi anemia who had Wilms tumor, AML, and medulloblastoma in addition to classic FA features (see patient GESH in Reid et al. 2007. PubMed ID: 17200671). This variant has also been reported in the heterozygous state in many patients with various other cancer types including gastric cancer (Fewings et al. 2018. PubMed ID: 29706558), breast cancer and/or endometrial or peritoneal cancer (Casadei et al. 2011. PubMed ID: 21285249; Susswein et al. 2016. PubMed ID: 26681312; Tung et al. 2015. PubMed ID: 25186627; Walsh et al. 2011. PubMed ID: 22006311). This variant is reported in 0.0018% of alleles in individuals of European (Non-Finnish) descent in gnomAD. Frameshift variants in PALB2 are expected to be pathogenic, and this variant has been classified as pathogenic in ClinVar (Variation ID: 126768). This variant is interpreted c.757_758del (p.Leu253Ilefs*3) as pathogenic.

Institute of Human Genetics, University of Leipzig Medical Center
Classification: Pathogenic for Breast-ovarian cancer, familial, susceptibility to, 5. Last evaluated: 2026-03-30. Review status: criteria provided, single submitter. Criteria: ACMG Guidelines, 2015. Collection method: clinical testing. Allele origin: maternal. Inheritance: Autosomal dominant inheritance. Affected: yes.
Comment: Criteria applied: PVS1,PM3,PM2_SUP,PM5_SUP

Labcorp Genetics (formerly Invitae), Labcorp
Classification: Pathogenic for Familial cancer of breast. Last evaluated: 2026-01-11. Review status: criteria provided, single submitter. Criteria: Invitae Variant Classification Sherloc (09022015). Collection method: clinical testing. Allele origin: germline.
Comment: This sequence change creates a premature translational stop signal (p.Leu253Ilefs*3) in the PALB2 gene. It is expected to result in an absent or disrupted protein product. Loss-of-function variants in PALB2 are known to be pathogenic (PMID: 17200668, 17200671, 17200672, 24136930, 25099575). This variant is present in population databases (rs180177092, gnomAD 0.002%). This premature translational stop signal has been observed in individual(s) with breast cancer and/or ovarian cancer and Fanconi anemia (PMID: 17200671, 21285249, 22006311, 26845104, 26898890). ClinVar contains an entry for this variant (Variation ID: 126768). For these reasons, this variant has been classified as Pathogenic.

Ambry Genetics
Classification: Pathogenic for Hereditary cancer-predisposing syndrome. Last evaluated: 2025-05-22. Review status: criteria provided, single submitter. Criteria: Ambry Variant Classification Scheme 2023. Collection method: clinical testing. Allele origin: germline.
Comment: The c.757_758delCT pathogenic mutation, located in coding exon 4 of the PALB2 gene, results from a deletion of two nucleotides at nucleotide positions 757 to 758, causing a translational frameshift with a predicted alternate stop codon (p.L253Ifs*3). This mutation has been reported in both Fanconi anemia type-N (FA-N) and familial breast cancer cohorts (Reid S et al. Nat. Genet. 2007 Feb;39:162-4; Tischkowitz M et al. Proc. Natl. Acad. Sci. USA. 2007 Apr;104:6788-93; Casadei S et al. Cancer Res. 2011 Mar;71:2222-9; Antoniou AC et al. N. Engl. J. Med. 2014 Aug;371:497-506; Tung N et al. Cancer. 2015 Jan;121:25-33; Susswein LR et al. Genet. Med. 2016 Aug;18:823-32). It was also seen in a medulloblastoma cohort (Waszak SM et al. Lancet Oncol. 2018 06;19(6):785-798). In addition to the information presented in the literature, this alteration is expected to result in loss of function by premature protein truncation or nonsense-mediated mRNA decay. As such, this alteration is interpreted as a disease-causing mutation.

Institute of Human Genetics, University of Leipzig Medical Center
Classification: Pathogenic for Familial cancer of breast. Last evaluated: 2024-10-08. Review status: criteria provided, single submitter. Criteria: ACMG Guidelines, 2015. Collection method: clinical testing. Allele origin: unknown. Inheritance: Autosomal dominant inheritance. Affected: yes.
Comment: Criteria applied: PVS1,PM2_SUP,PM5_SUP

German Consortium for Hereditary Breast and Ovarian Cancer, University Hospital Cologne
Classification: Pathogenic for Hereditary breast ovarian cancer syndrome. Last evaluated: 2024-08-13. Review status: criteria provided, single submitter. Criteria: ClinGen PALB2 V1.1.0. Collection method: curation. Allele origin: germline.
Comment: According to the ClinGen ACMG PALB2 v1.1.0 criteria we chose these criteria: PVS1 (very strong pathogenic): PVS1 as per the PVS1 decision tree, PM3 (medium pathogenic): Reid et al., 2007, Nat Genet, comp het in Patient mit FA, erüllt 3 Kriterien (Wilms Tumor, hypoplastic thumb, microcephaly), => 2Punkte => mod, PM5 (supporting pathogenic): Apply to frameshifting or truncating variants with premature termination codons upstream of p.Tyr1183, based on location of the most C-terminal known pathogenic variant, p.Tyr1183*

Molecular Pathology, Peter Maccallum Cancer Centre
Classification: Pathogenic for Familial cancer of breast. Last evaluated: 2024-06-14. Review status: criteria provided, single submitter. Criteria: ACMG Guidelines, 2015. Collection method: clinical testing. Allele origin: germline. Inheritance: Autosomal dominant inheritance.

Baylor Genetics
Classification: Pathogenic for Familial cancer of breast. Last evaluated: 2024-02-04. Review status: criteria provided, single submitter. Criteria: ACMG Guidelines, 2015. Collection method: clinical testing. Allele origin: unknown.

CHEO Genetics Diagnostic Laboratory, Children's Hospital of Eastern Ontario
Classification: Pathogenic for Breast and/or ovarian cancer. Last evaluated: 2023-06-09. Review status: criteria provided, single submitter. Criteria: ACMG Guidelines, 2015. Collection method: clinical testing. Allele origin: germline.

Myriad Genetics, Inc.
Classification: Pathogenic for Familial cancer of breast. Last evaluated: 2023-03-31. Review status: criteria provided, single submitter. Criteria: Myriad Autosomal Dominant, Autosomal Recessive and X-Linked Classification Criteria (2023). Collection method: clinical testing. Allele origin: unknown.
Comment: This variant is considered pathogenic. This variant creates a frameshift predicted to result in premature protein truncation.

Institute of Human Genetics, University of Leipzig Medical Center
Classification: Pathogenic for Breast-ovarian cancer, familial, susceptibility to, 1. Last evaluated: 2023-02-05. Review status: criteria provided, single submitter. Criteria: ACMG Guidelines, 2015. Collection method: clinical testing. Allele origin: unknown. Affected: yes.
Comment: _x000D_ Criteria applied: PVS1, PS4, PM2_SUP

NM_024675.4(PALB2):c.757_758del (p.Leu253fs)

Gene: PALB2 (partner and localizer of BRCA2; minus strand). Cytogenetic location: 16p12.2.
Variant type: Microsatellite.
Coding change: c.757_758del on transcript NM_024675.4 (MANE Select); coding-DNA positions 757 to 758, 2 bases deleted (CT; older notation c.757_758delCT).
Protein change: p.Leu253fs; shifts the reading frame from leucine 253.
Molecular consequence: frameshift variant.
Genome position (GRCh38, 1-based): chr16:23,635,788-23,635,789, AG deleted on the plus strand (CT on the coding strand, the reverse complement: PALB2 is on the minus strand); deleting any 2 consecutive bases within chr16:23,635,788-23,635,791 gives the same sequence; the c. name uses the placement nearest the transcript's 3' end. VCF-style (leftmost placement, unchanged base first): chr16-23635787-TAG-T. GRCh37 (hg19) VCF-style: chr16-23647108-TAG-T.
Other names: c.757_758delCT (NM_024675.3); short protein forms L253fs.
Identifiers: ClinVar variation 126768 (VCV000126768.99), dbSNP rs180177092, ClinGen allele CA151254.
Genomic context (GRCh38, chr16:23,635,787, plus strand): 5'-AAGTTCACTGCTACCTTTAGGAGGAATGTGTTCAAGGTGCTGACTACTACCGCTATCTGA[TAG>T]AGTCTGTAAAGGAACTGTAGTCGCCCTGGTGAAATTAGGTCTTCTTAGGAATGTATCAAC-3'